The following is an entry in ClinVar:

ClinVar aggregate classification (germline): Uncertain significance (1 of 4 stars; one submission).

Conditions:
Hereditary cancer-predisposing syndrome. Also called: Neoplastic Syndromes, Hereditary; Tumor predisposition; Hereditary Cancer Syndrome; Hereditary neoplastic syndrome. Identifiers: Orphanet 140162, MedGen C0027672, MeSH D009386, MONDO:0015356.

Submission:

Ambry Genetics
Classification: Uncertain significance for Hereditary cancer-predisposing syndrome. Last evaluated: 2022-10-31. Review status: criteria provided, single submitter. Criteria: Ambry Variant Classification Scheme 2023. Collection method: clinical testing. Allele origin: germline.
Comment: The p.H1380D variant (also known as c.4138C>G), located in coding exon 27 of the ATM gene, results from a C to G substitution at nucleotide position 4138. The histidine at codon 1380 is replaced by aspartic acid, an amino acid with similar properties. This variant was not reported in population based cohorts in the following databases: Database of Single Nucleotide Polymorphisms (dbSNP), NHLBI Exome Sequencing Project (ESP), and 1000 Genomes Project. In the ESP, this variant was not observed in 6498 samples (12996 alleles) with coverage at this position. To date, this alteration has been detected with an allele frequency of approximately 0.001% (greater than 180000 alleles tested) in our clinical cohort. This amino acid position is not well conserved in available vertebrate species. In addition, this alteration is predicted to be tolerated by in silico analysis. Since supporting evidence is limited at this time, the clinical significance of this alteration remains unclear.

NM_000051.4(ATM):c.4138C>G (p.His1380Asp)

Gene: ATM (ATM serine/threonine kinase; plus strand). Cytogenetic location: 11q22.3.
Variant type: single nucleotide variant.
Coding change: c.4138C>G on transcript NM_000051.4 (MANE Select); coding-DNA position 4138, C replaced by G.
Protein change: p.His1380Asp; replaces histidine 1380 with aspartic acid.
Molecular consequence: missense variant.
Genome position (GRCh38, 1-based): chr11:108,289,005, C>G. VCF-style: chr11-108289005-C-G. GRCh37 (hg19) VCF-style: chr11-108159732-C-G.
Other names: c.4138C>G, p.His1380Asp (NM_001351834.2); short protein forms H1380D.
Identifiers: ClinVar variation 1738125 (VCV001738125.3), dbSNP rs3092856, ClinGen allele CA382529894.